The following is an entry in ClinVar:

ClinVar aggregate classification (germline): Likely benign (0 of 4 stars; one submission).

Conditions:
PLXNA3-related disorder. Also called: PLXNA3-related condition.

Allele frequency attached by ClinVar (database versions not stated): ExAC 0.00001; gnomAD exomes 0.00001; TOPMed 0.00001; gnomAD 0.00004.
gnomAD v4.1: 13 of 1,208,001 alleles (0.0011%); highest among the groups gnomAD compares: African/African-American, 0.0017%; no homozygotes.

Submission:

PreventionGenetics, part of Exact Sciences
Classification: Likely benign for PLXNA3-related condition. Last evaluated: 2022-04-22. Review status: no assertion criteria provided. Collection method: clinical testing. Allele origin: germline.
Comment: This variant is classified as likely benign based on ACMG/AMP sequence variant interpretation guidelines (Richards et al. 2015 PMID: 25741868, with internal and published modifications).

NM_017514.5(PLXNA3):c.2778G>A (p.Ser926=)

Gene: PLXNA3 (plexin A3; plus strand). Cytogenetic location: Xq28.
Variant type: single nucleotide variant.
Coding change: c.2778G>A on transcript NM_017514.5 (MANE Select); coding-DNA position 2778, G replaced by A.
Protein change: p.Ser926=; no amino-acid change (serine 926 retained).
Molecular consequence: synonymous variant.
Genome position (GRCh38, 1-based): chrX:154,466,249, G>A. VCF-style: chrX-154466249-G-A. GRCh37 (hg19) VCF-style: chrX-153694592-G-A.
Identifiers: ClinVar variation 3030776 (VCV003030776.2), dbSNP rs782486790, ClinGen allele CA10564472.